The following is an entry in ClinVar:

NM_017547.4(FOXRED1):c.1358C>T (p.Ala453Val)

Gene: FOXRED1 (FAD dependent oxidoreductase domain containing 1; plus strand). Cytogenetic location: 11q24.2.
Variant type: single nucleotide variant.
Coding change: c.1358C>T on transcript NM_017547.4 (MANE Select); coding-DNA position 1358, C replaced by T.
Protein change: p.Ala453Val; replaces alanine 453 with valine.
Molecular consequence: missense variant. On other transcripts: non-coding transcript variant (2).
Genome position (GRCh38, 1-based): chr11:126,277,586, C>T. VCF-style: chr11-126277586-C-T. GRCh37 (hg19) VCF-style: chr11-126147481-C-T.
Other names: short protein forms A453V.
Identifiers: ClinVar variation 1440870 (VCV001440870.6), dbSNP rs2135270885, ClinGen allele CA383231646.
Genomic context (GRCh38, chr11:126,277,586, plus strand): 5'-TTGCTACTGGCTTCAGTGGTCACGGGCTCCAGCAGGCCCCTGGCATTGGGCGAGCTGTAG[C>T]AGAGATGGTACTGAAGGGCAGGTTCCAGACCATCGACCTGAGCCCCTTCCTCTTTACCCG-3'
Protein context (NP_060017.1, residues 443-463): QQAPGIGRAV[Ala453Val]EMVLKGRFQT

ClinVar aggregate classification (germline): Uncertain significance (1 of 4 stars; one submission).

Submission:

Labcorp Genetics (formerly Invitae), Labcorp
Classification: Uncertain significance. Last evaluated: 2022-01-18. Review status: criteria provided, single submitter. Criteria: Invitae Variant Classification Sherloc (09022015). Collection method: clinical testing. Allele origin: germline.
Comment: This sequence change replaces alanine, which is neutral and non-polar, with valine, which is neutral and non-polar, at codon 453 of the FOXRED1 protein (p.Ala453Val). This variant is not present in population databases (gnomAD no frequency). This variant has not been reported in the literature in individuals affected with FOXRED1-related conditions. Advanced modeling of protein sequence and biophysical properties (such as structural, functional, and spatial information, amino acid conservation, physicochemical variation, residue mobility, and thermodynamic stability) performed at Invitae indicates that this missense variant is expected to disrupt FOXRED1 protein function. In summary, the available evidence is currently insufficient to determine the role of this variant in disease. Therefore, it has been classified as a Variant of Uncertain Significance.